The following is an entry in ClinVar:

NM_005188.4(CBL):c.136C>G (p.His46Asp)

Genes: CBL (Cbl proto-oncogene; plus strand), LOC130006895 (ATAC-STARR-seq lymphoblastoid silent region 3975; plus strand). Cytogenetic location: 11q23.3.
Variant type: single nucleotide variant.
Coding change: c.136C>G on transcript NM_005188.4 (MANE Select); coding-DNA position 136, C replaced by G.
Protein change: p.His46Asp; replaces histidine 46 with aspartic acid.
Molecular consequence: missense variant.
Genome position (GRCh38, 1-based): chr11:119,206,553, C>G. VCF-style: chr11-119206553-C-G. GRCh37 (hg19) VCF-style: chr11-119077263-C-G.
Other names: short protein forms H46D.
Identifiers: ClinVar variation 4613818 (VCV004613818.2).

ClinVar aggregate classification (germline): Uncertain significance. Review status: criteria provided, multiple submitters, no conflicts (2 of 4 stars). 2 submissions from 2 submitters: Uncertain significance (2). Last evaluated 2025-09-20.

Conditions:
RASopathy. Also called: Noonan spectrum disorder; rasopathies. Identifiers: Orphanet 536391, MedGen C5555857, MONDO:0021060.
Cardiovascular phenotype. Identifiers: MedGen CN230736.

Submissions (2):

Ambry Genetics
Classification: Uncertain significance for Cardiovascular phenotype. Last evaluated: 2025-09-20. Review status: criteria provided, single submitter. Criteria: Ambry Variant Classification Scheme 2023. Collection method: clinical testing. Allele origin: germline.
Comment: The p.H46D variant (also known as c.136C>G), located in coding exon 1 of the CBL gene, results from a C to G substitution at nucleotide position 136. The histidine at codon 46 is replaced by aspartic acid, an amino acid with similar properties. This amino acid position is conserved. In addition, the in silico prediction for this alteration is inconclusive. Based on the available evidence, the clinical significance of this variant remains unclear.

Labcorp Genetics (formerly Invitae), Labcorp
Classification: Uncertain significance for RASopathy. Last evaluated: 2025-06-15. Review status: criteria provided, single submitter. Criteria: Invitae Variant Classification Sherloc (09022015). Collection method: clinical testing. Allele origin: germline.
Comment: This sequence change replaces histidine, which is basic and polar, with aspartic acid, which is acidic and polar, at codon 46 of the CBL protein (p.His46Asp). This variant is not present in population databases (gnomAD no frequency). This variant has not been reported in the literature in individuals affected with CBL-related conditions. Invitae Evidence Modeling of protein sequence and biophysical properties (such as structural, functional, and spatial information, amino acid conservation, physicochemical variation, residue mobility, and thermodynamic stability) indicates that this missense variant is not expected to disrupt CBL protein function with a negative predictive value of 95%. In summary, the available evidence is currently insufficient to determine the role of this variant in disease. Therefore, it has been classified as a Variant of Uncertain Significance.